The following is an entry in ClinVar:

NM_001358921.2(COQ2):c.512T>C (p.Leu171Pro)

Gene: COQ2 (coenzyme Q2, polyprenyltransferase; minus strand). Cytogenetic location: 4q21.23.
Variant type: single nucleotide variant.
Coding change: c.512T>C on transcript NM_001358921.2 (MANE Select); coding-DNA position 512, T replaced by C.
Protein change: p.Leu171Pro; replaces leucine 171 with proline.
Molecular consequence: missense variant.
Genome position (GRCh38, 1-based): chr4:83,273,526, A>G on the plus strand (T>C on the coding strand, the complement: COQ2 is on the minus strand). VCF-style: chr4-83273526-A-G. GRCh37 (hg19) VCF-style: chr4-84194679-A-G.
Other names: c.662T>C, p.Leu221Pro (NM_015697.9); short protein forms L171P, L221P.
Identifiers: ClinVar variation 2780043 (VCV002780043.3), dbSNP rs778440756, ClinGen allele CA2988586.

ClinVar aggregate classification (germline): Uncertain significance (1 of 4 stars; one submission).

Allele frequency attached by ClinVar (database versions not stated): gnomAD exomes below 0.00001; gnomAD 0.00001; ExAC 0.00002; TOPMed 0.00003.
gnomAD v4.1: 3 of 1,613,600 alleles (0.00019%); highest among the groups gnomAD compares: African/African-American, 0.004%; no homozygotes.

Submission:

Labcorp Genetics (formerly Invitae), Labcorp
Classification: Uncertain significance. Last evaluated: 2023-03-04. Review status: criteria provided, single submitter. Criteria: Invitae Variant Classification Sherloc (09022015). Collection method: clinical testing. Allele origin: germline.
Comment: Advanced modeling of protein sequence and biophysical properties (such as structural, functional, and spatial information, amino acid conservation, physicochemical variation, residue mobility, and thermodynamic stability) performed at Invitae indicates that this missense variant is expected to disrupt COQ2 protein function. In summary, the available evidence is currently insufficient to determine the role of this variant in disease. Therefore, it has been classified as a Variant of Uncertain Significance. This variant has not been reported in the literature in individuals affected with COQ2-related conditions. This variant is present in population databases (rs778440756, gnomAD 0.01%). This sequence change replaces leucine, which is neutral and non-polar, with proline, which is neutral and non-polar, at codon 221 of the COQ2 protein (p.Leu221Pro).